The following is an entry in ClinVar:

NM_198129.4(LAMA3):c.5112+2T>G

Gene: LAMA3 (laminin subunit alpha 3; plus strand). Cytogenetic location: 18q11.2.
Variant type: single nucleotide variant.
Coding change: c.5112+2T>G on transcript NM_198129.4 (MANE Select); the canonical splice donor site of the intron after coding-DNA position 5112, T replaced by G.
Molecular consequence: splice donor variant.
Genome position (GRCh38, 1-based): chr18:23,876,409, T>G. VCF-style: chr18-23876409-T-G. GRCh37 (hg19) VCF-style: chr18-21456373-T-G.
Other names: c.5112+2T>G (NM_001127717.4); c.285+2T>G (NM_000227.6, NM_001127718.4).
Identifiers: ClinVar variation 550193 (VCV000550193.3), dbSNP rs1555721815, ClinGen allele CA402045098.

ClinVar aggregate classification (germline): Uncertain significance. Review status: criteria provided, single submitter (1 of 4 stars). 2 submissions from 2 submitters: Uncertain significance (1). 1 of the submissions does not count toward it. Last evaluated 2025-12-16.

Conditions:
Junctional epidermolysis bullosa. Identifiers: Orphanet 305, MedGen C0079301, MONDO:0017612.
Junctional epidermolysis bullosa gravis of Herlitz. Also called: EPIDERMOLYSIS BULLOSA, JUNCTIONAL 1B, SEVERE; Epidermolysis Bullosa Letalis; Herlitz-type junctional epidermolysis bullosa; EPIDERMOLYSIS BULLOSA JUNCTIONALIS, HERLITZ TYPE; EPIDERMOLYSIS BULLOSA, JUNCTIONAL, HERLITZ-PEARSON TYPE; JEB-HERLITZ TYPE. Identifiers: Orphanet 79404, MedGen C0079683, MONDO:0009182, OMIM 226700.

Submissions (2):

Myriad Genetics, Inc.
Classification: Uncertain significance for Junctional epidermolysis bullosa. Last evaluated: 2025-12-16. Review status: criteria provided, single submitter. Criteria: Myriad Autosomal Dominant, Autosomal Recessive and X-Linked Classification Criteria (2023). Collection method: clinical testing. Allele origin: unknown.
Comment: NM_000227.3(LAMA3):c.285+2T>G is a variant in a canonical splice site classified as a variant of uncertain significance in the context of junctional epidermolysis bullosa, LAMA3-related. c.285+2T>G has not been observed in cases with relevant disease. Relevant functional assessments of this variant are not available in the literature. c.285+2T>G has not been observed in referenced population frequency databases. In summary, there is insufficient evidence to classify NM_000227.3(LAMA3):c.285+2T>G as pathogenic or benign. Please note: this variant was assessed in the context of healthy population screening.

Counsyl
Classification: Likely pathogenic for Junctional epidermolysis bullosa gravis of Herlitz. Last evaluated: 2017-01-03. Review status: no assertion criteria provided. Collection method: clinical testing. Allele origin: unknown. Not counted in ClinVar's aggregate classification.